The following is an entry in ClinVar:

NM_182548.4(LHFPL5):c.556A>G (p.Ile186Val)

Gene: LHFPL5 (LHFPL tetraspan subfamily member 5; plus strand). Cytogenetic location: 6p21.31.
Variant type: single nucleotide variant.
Coding change: c.556A>G on transcript NM_182548.4 (MANE Select); coding-DNA position 556, A replaced by G.
Protein change: p.Ile186Val; replaces isoleucine 186 with valine.
Molecular consequence: missense variant.
Genome position (GRCh38, 1-based): chr6:35,814,689, A>G. VCF-style: chr6-35814689-A-G. GRCh37 (hg19) VCF-style: chr6-35782466-A-G.
Other names: short protein forms I186V.
Identifiers: ClinVar variation 1502436 (VCV001502436.8), dbSNP rs1161698428, ClinGen allele CA363786123.

ClinVar aggregate classification (germline): Uncertain significance (1 of 4 stars; one submission).

Allele frequency attached by ClinVar (database versions not stated): gnomAD exomes below 0.00001; gnomAD 0.00001; TOPMed 0.00001.
gnomAD v4.1: 4 of 1,614,008 alleles (0.00025%); highest among the groups gnomAD compares: African/African-American, 0.0013%; no homozygotes.

Submission:

Labcorp Genetics (formerly Invitae), Labcorp
Classification: Uncertain significance. Last evaluated: 2025-07-10. Review status: criteria provided, single submitter. Criteria: Invitae Variant Classification Sherloc (09022015). Collection method: clinical testing. Allele origin: germline.
Comment: This sequence change replaces isoleucine, which is neutral and non-polar, with valine, which is neutral and non-polar, at codon 186 of the LHFPL5 protein (p.Ile186Val). This variant is present in population databases (no rsID available, gnomAD 0.007%). This variant has not been reported in the literature in individuals affected with LHFPL5-related conditions. ClinVar contains an entry for this variant (Variation ID: 1502436). An algorithm developed to predict the effect of missense changes on protein structure and function (PolyPhen-2) suggests that this variant is likely to be disruptive. In summary, the available evidence is currently insufficient to determine the role of this variant in disease. Therefore, it has been classified as a Variant of Uncertain Significance.